The following is an entry in ClinVar:

ClinVar aggregate classification (germline): Benign (1 of 4 stars; one submission).

gnomAD v4.1: 199,843 of 1,606,926 alleles (12%); highest among the groups gnomAD compares: Middle Eastern, 16%; 12,894 homozygotes.

Submission:

CeGaT Center for Human Genetics Tuebingen
Classification: Benign. Last evaluated: 2025-01-01. Review status: criteria provided, single submitter. Criteria: CeGaT Center For Human Genetics Tuebingen Variant Classification Criteria Version 2. Collection method: clinical testing. Allele origin: germline. Affected: yes. Observed: 1 variant allele.
Comment: ROS1: BP4, BS1, BS2

NM_001378902.1(ROS1):c.6229A>C (p.Arg2077=)

Gene: ROS1 (ROS proto-oncogene 1, receptor tyrosine kinase; minus strand). Cytogenetic location: 6q22.1.
Variant type: single nucleotide variant.
Coding change: c.6229A>C on transcript NM_001378902.1 (MANE Select); coding-DNA position 6229, A replaced by C.
Protein change: p.Arg2077=; no amino-acid change (arginine 2077 retained).
Molecular consequence: synonymous variant.
Genome position (GRCh38, 1-based): chr6:117,310,268, T>G on the plus strand (A>C on the coding strand, the complement: ROS1 is on the minus strand). VCF-style: chr6-117310268-T-G. GRCh37 (hg19) VCF-style: chr6-117631431-T-G.
Other names: c.6235A>C, p.Arg2079= (NM_001378891.1); c.6247A>C, p.Arg2083= (NM_002944.3).
Identifiers: ClinVar variation 3770433 (VCV003770433.13).
Genomic context (GRCh38, chr6:117,310,268, plus strand): 5'-AGTCTCCAATCTTCACTATCCGTGGACTGGTATAGTCTTTCACGGAAACAAGGCAATTTC[T>G]AGCTGCCAGATCCCTGTGGCAGAAGTTATATTTAATAATAATAATAATAACAACAATAAA-3'
Protein context (NP_001365831.1, residues 2067-2087): MHFIHRDLAA[Arg2077=]NCLVSVKDYT